The following is an entry in ClinVar:

ClinVar aggregate classification (germline): Uncertain significance. Review status: criteria provided, multiple submitters, no conflicts (2 of 4 stars). 2 submissions from 2 submitters: Uncertain significance (2). Last evaluated 2025-08-28.

Conditions:
Pitt-Hopkins-like syndrome 2 (PTHSL2). Identifiers: Orphanet 221150, Orphanet 600663, MedGen C3280479, MONDO:0013690, OMIM 614325.

Allele frequency attached by ClinVar (database versions not stated): TOPMed below 0.00001; gnomAD exomes 0.00001 and 0.00002; ExAC 0.00002; ESP Exome Variant Server 0.00008.
gnomAD v4.1: 18 of 1,613,142 alleles (0.0011%); highest among the groups gnomAD compares: Non-Finnish European, 0.0014%; no homozygotes.

Submissions (2):

Labcorp Genetics (formerly Invitae), Labcorp
Classification: Uncertain significance for Pitt-Hopkins-like syndrome 2. Last evaluated: 2025-08-28. Review status: criteria provided, single submitter. Criteria: Invitae Variant Classification Sherloc (09022015). Collection method: clinical testing. Allele origin: germline.
Comment: This sequence change replaces serine, which is neutral and polar, with alanine, which is neutral and non-polar, at codon 142 of the NRXN1 protein (p.Ser142Ala). This variant is present in population databases (rs370912395, gnomAD 0.004%). This variant has not been reported in the literature in individuals affected with NRXN1-related conditions. ClinVar contains an entry for this variant (Variation ID: 1509872). An algorithm developed to predict the effect of missense changes on protein structure and function (PolyPhen-2) suggests that this variant is likely to be disruptive. In summary, the available evidence is currently insufficient to determine the role of this variant in disease. Therefore, it has been classified as a Variant of Uncertain Significance.

GeneDx
Classification: Uncertain significance. Last evaluated: 2024-11-08. Review status: criteria provided, single submitter. Criteria: GeneDx Variant Classification Process June 2021. Collection method: clinical testing. Allele origin: germline. Affected: yes.
Comment: Not observed at significant frequency in large population cohorts (gnomAD); In silico analysis indicates that this missense variant does not alter protein structure/function; Has not been previously published as pathogenic or benign to our knowledge

NM_001330078.2(NRXN1):c.424T>G (p.Ser142Ala)

Gene: NRXN1 (neurexin 1; minus strand). Cytogenetic location: 2p16.3.
Variant type: single nucleotide variant.
Coding change: c.424T>G on transcript NM_001330078.2 (MANE Select); coding-DNA position 424, T replaced by G.
Protein change: p.Ser142Ala; replaces serine 142 with alanine.
Molecular consequence: missense variant.
Genome position (GRCh38, 1-based): chr2:51,027,850, A>C on the plus strand (T>G on the coding strand, the complement: NRXN1 is on the minus strand). VCF-style: chr2-51027850-A-C. GRCh37 (hg19) VCF-style: chr2-51254988-A-C.
Other names: c.424T>G, p.Ser142Ala (NM_001135659.3, NM_001330077.2, NM_001330079.2 and 15 more transcripts); c.424T>G (NM_001135659.1); short protein forms S142A.
Identifiers: ClinVar variation 1509872 (VCV001509872.9), dbSNP rs370912395, ClinGen allele CA1655489.